The following is an entry in ClinVar:

ClinVar aggregate classification (germline): Uncertain significance (1 of 4 stars; one submission).

Conditions:
Hereditary cancer-predisposing syndrome. Also called: Neoplastic Syndromes, Hereditary; Tumor predisposition; Hereditary neoplastic syndrome; Hereditary Cancer Syndrome. Identifiers: Orphanet 140162, MedGen C0027672, MeSH D009386, MONDO:0015356.

Submission:

Ambry Genetics
Classification: Uncertain significance for Hereditary cancer-predisposing syndrome. Last evaluated: 2024-01-03. Review status: criteria provided, single submitter. Criteria: Ambry Variant Classification Scheme 2023. Collection method: clinical testing. Allele origin: germline.
Comment: The p.K149N variant (also known as c.447G>T), located in coding exon 3 of the KIT gene, results from a G to T substitution at nucleotide position 447. The lysine at codon 149 is replaced by asparagine, an amino acid with similar properties. This amino acid position is conserved. In addition, this alteration is predicted to be tolerated by in silico analysis. Since supporting evidence is limited at this time, the clinical significance of this alteration remains unclear.

NM_000222.3(KIT):c.447G>T (p.Lys149Asn)

Gene: KIT (KIT proto-oncogene, receptor tyrosine kinase; plus strand). Cytogenetic location: 4q12.
Variant type: single nucleotide variant.
Coding change: c.447G>T on transcript NM_000222.3 (MANE Select); coding-DNA position 447, G replaced by T.
Protein change: p.Lys149Asn; replaces lysine 149 with asparagine.
Molecular consequence: missense variant.
Genome position (GRCh38, 1-based): chr4:54,698,393, G>T. VCF-style: chr4-54698393-G-T. GRCh37 (hg19) VCF-style: chr4-55564559-G-T.
Other names: c.447G>T, p.Lys149Asn (NM_001093772.2, NM_001385284.1, NM_001385285.1 and 4 more transcripts); short protein forms K149N.
Identifiers: ClinVar variation 3230684 (VCV003230684.1), dbSNP rs2109672869, ClinGen allele CA356897607.